The following is an entry in ClinVar:

NC_000015.9:g.(?_55611449)_(55619853_?)del

Gene: PIGB (phosphatidylinositol glycan anchor biosynthesis class B; plus strand). Cytogenetic location: 15q21.3.
Variant type: Deletion.
Identifiers: ClinVar variation 3243873 (VCV003243873.1).

ClinVar aggregate classification (germline): Pathogenic (1 of 4 stars; one submission).

Submission:

Labcorp Genetics (formerly Invitae), Labcorp
Classification: Pathogenic. Last evaluated: 2023-02-02. Review status: criteria provided, single submitter. Criteria: Invitae Variant Classification Sherloc (09022015). Collection method: clinical testing. Allele origin: unknown.
Comment: For these reasons, this variant has been classified as Pathogenic. This variant has not been reported in the literature in individuals affected with PIGB-related conditions. This variant is a gross deletion of the genomic region encompassing exon(s) 1-4 of the PIGB gene, which includes the initiator codon. This deletion extends beyond the assayed region for this gene and therefore may encompass additional genes. It is expected to result in an absent or disrupted protein product. Loss-of-function variants in PIGB are known to be pathogenic (PMID: 31256876, 34400385).

Literature cited by the submitters: PubMed 31256876; PubMed 34400385.